The following is an entry in ClinVar:

NM_007186.6(CEP250):c.1513G>A (p.Gly505Ser)

Genes: CEP250 (centrosomal protein 250; plus strand), CEP250-AS1 (CEP250 antisense RNA 1; minus strand). Cytogenetic location: 20q11.22.
Variant type: single nucleotide variant.
Coding change: c.1513G>A on transcript NM_007186.6 (MANE Select); coding-DNA position 1513, G replaced by A.
Protein change: p.Gly505Ser; replaces glycine 505 with serine.
Molecular consequence: missense variant. On other transcripts: 5 prime UTR variant (1).
Genome position (GRCh38, 1-based): chr20:35,473,994, G>A. VCF-style: chr20-35473994-G-A. GRCh37 (hg19) VCF-style: chr20-34061819-G-A.
Other names: c.-387G>A (NM_001318219.1); short protein forms G505S.
Identifiers: ClinVar variation 959050 (VCV000959050.7), dbSNP rs1332642187, ClinGen allele CA408762983.
Genomic context (GRCh38, chr20:35,473,994, plus strand): 5'-GAGGCATGGCGCCTGCGAAGGGTAAATGTGGAGCTTCAGCTGCAGGGGGACTCTGCCCAG[G>A]GCCAGAAGGAGGAACAGCAGGAGGAGCTGCACCTGGCTGTCCGGGAGAGGGAGCGTCTGT-3'
Protein context (NP_009117.2, residues 495-515): ELQLQGDSAQ[Gly505Ser]QKEEQQEELH

ClinVar aggregate classification (germline): Uncertain significance (1 of 4 stars; one submission).

Allele frequency attached by ClinVar (database versions not stated): gnomAD exomes below 0.00001; TOPMed 0.00001.
gnomAD v4.1: 3 of 1,604,310 alleles (0.00019%); highest among the groups gnomAD compares: African/African-American, 0.0013%; no homozygotes.

Submission:

Labcorp Genetics (formerly Invitae), Labcorp
Classification: Uncertain significance. Last evaluated: 2021-11-08. Review status: criteria provided, single submitter. Criteria: Invitae Variant Classification Sherloc (09022015). Collection method: clinical testing. Allele origin: germline.
Comment: This sequence change replaces glycine with serine at codon 505 of the CEP250 protein (p.Gly505Ser). The glycine residue is moderately conserved and there is a small physicochemical difference between glycine and serine. ClinVar contains an entry for this variant (Variation ID: 959050). This variant has not been reported in the literature in individuals affected with CEP250-related conditions. This variant is not present in population databases (gnomAD no frequency). In summary, the available evidence is currently insufficient to determine the role of this variant in disease. Therefore, it has been classified as a Variant of Uncertain Significance. Algorithms developed to predict the effect of missense changes on protein structure and function are either unavailable or do not agree on the potential impact of this missense change (SIFT: "Not Available"; PolyPhen-2: "Probably Damaging"; Align-GVGD: "Not Available").